The following is an entry in ClinVar:

ClinVar aggregate classification (germline): Benign/Likely benign. Review status: criteria provided, multiple submitters, no conflicts (2 of 4 stars). 4 submissions from 4 submitters: Benign (3); Likely benign (1). Last evaluated 2024-09-06.

Allele frequency attached by ClinVar (database versions not stated): gnomAD exomes 0.00019 and 0.00051; ExAC 0.00069; 1000 Genomes Project 30x 0.00156; 1000 Genomes Project 0.00160; gnomAD 0.00216 and 0.00228; TOPMed 0.00234; ESP Exome Variant Server 0.00284.
gnomAD v4.1: 613 of 1,575,746 alleles (0.039%); highest among the groups gnomAD compares: African/African-American, 0.74%; 1 homozygote.

Submissions (4):

Blueprint Genetics
Classification: Likely benign. Last evaluated: 2024-09-06. Review status: criteria provided, single submitter. Criteria: ACMG Guidelines, 2015. Collection method: clinical testing. Allele origin: germline.

GeneDx
Classification: Benign. Last evaluated: 2019-02-11. Review status: criteria provided, single submitter. Criteria: GeneDx Variant Classification Process June 2021. Collection method: clinical testing. Allele origin: germline. Affected: yes.

Laboratory for Molecular Medicine, Mass General Brigham Personalized Medicine
Classification: Benign. Last evaluated: 2012-04-30. Review status: criteria provided, single submitter. Criteria: LMM Criteria. Collection method: clinical testing. Allele origin: germline. Observed: 1 variant allele.
Comment: *6G>A in Exon 16 of GRHL2: This variant is not expected to have clinical signifi cance because it has been identified in 0.7% (28/3738) of African American chrom osomes from a broad population by the NHLBI Exome Sequencing Project (.; dbSNP rs116154722).

Breakthrough Genomics
Classification: Benign. Review status: criteria provided, single submitter. Criteria: ACMG Guidelines, 2015. Collection method: not provided. Allele origin: germline. Inheritance: Autosomal recessive inheritance. Affected: yes.

NM_024915.4(GRHL2):c.*6G>A

Gene: GRHL2 (grainyhead like transcription factor 2; plus strand). Cytogenetic location: 8q22.3.
Variant type: single nucleotide variant.
Coding change: c.*6G>A on transcript NM_024915.4 (MANE Select); 6 bases downstream of the stop codon, G replaced by A.
Molecular consequence: 3 prime UTR variant.
Genome position (GRCh38, 1-based): chr8:101,666,709, G>A. VCF-style: chr8-101666709-G-A. GRCh37 (hg19) VCF-style: chr8-102678937-G-A.
Other names: c.*6G>A; c.*6G>A (NM_001330593.2).
Identifiers: ClinVar variation 46213 (VCV000046213.7), dbSNP rs116154722, ClinGen allele CA137887.